The following is an entry in ClinVar:

ClinVar aggregate classification (germline): Uncertain significance. Review status: criteria provided, multiple submitters, no conflicts (2 of 4 stars). 3 submissions from 3 submitters: Uncertain significance (2). 1 of the submissions does not count toward it. Last evaluated 2025-03-18.

Conditions:
PHIP-related disorder. Also called: PHIP-related condition; PHIP-related disorders.
Inborn genetic diseases. Identifiers: MedGen C0950123, MeSH D030342.

gnomAD v4.1: 151 of 1,600,424 alleles (0.0094%); highest among the groups gnomAD compares: Middle Eastern, 0.017%; no homozygotes.

Submissions (3):

Ambry Genetics
Classification: Uncertain significance for Inborn genetic diseases. Last evaluated: 2025-03-18. Review status: criteria provided, single submitter. Criteria: Ambry Variant Classification Scheme 2023. Collection method: clinical testing. Allele origin: germline.

Labcorp Genetics (formerly Invitae), Labcorp
Classification: Uncertain significance. Last evaluated: 2024-09-08. Review status: criteria provided, single submitter. Criteria: Invitae Variant Classification Sherloc (09022015). Collection method: clinical testing. Allele origin: germline.
Comment: This sequence change replaces arginine, which is basic and polar, with threonine, which is neutral and polar, at codon 837 of the PHIP protein (p.Arg837Thr). This variant is present in population databases (rs374591086, gnomAD 0.007%). This variant has not been reported in the literature in individuals affected with PHIP-related conditions. Experimental studies and prediction algorithms are not available or were not evaluated, and the functional significance of this variant is currently unknown. In summary, the available evidence is currently insufficient to determine the role of this variant in disease. Therefore, it has been classified as a Variant of Uncertain Significance.

PreventionGenetics, part of Exact Sciences
Classification: Uncertain significance for PHIP-related condition. Last evaluated: 2024-01-02. Review status: no assertion criteria provided. Collection method: clinical testing. Allele origin: germline. Not counted in ClinVar's aggregate classification.
Comment: The PHIP c.2510G>C variant is predicted to result in the amino acid substitution p.Arg837Thr. To our knowledge, this variant has not been reported in the literature. This variant is reported in 0.0070% of alleles in individuals of European (Non-Finnish) descent in gnomAD. At this time, the clinical significance of this variant is uncertain due to the absence of conclusive functional and genetic evidence.

NM_017934.7(PHIP):c.2510G>C (p.Arg837Thr)

Gene: PHIP (PHIP subunit of CUL4-Ring ligase complex; minus strand). Cytogenetic location: 6q14.1.
Variant type: single nucleotide variant.
Coding change: c.2510G>C on transcript NM_017934.7 (MANE Select); coding-DNA position 2510, G replaced by C.
Protein change: p.Arg837Thr; replaces arginine 837 with threonine.
Molecular consequence: missense variant.
Genome position (GRCh38, 1-based): chr6:78,985,379, C>G on the plus strand (G>C on the coding strand, the complement: PHIP is on the minus strand). VCF-style: chr6-78985379-C-G. GRCh37 (hg19) VCF-style: chr6-79695096-C-G.
Other names: c.2510G>C (NM_017934.5); short protein forms R837T.
Identifiers: ClinVar variation 3354257 (VCV003354257.4).